The following is an entry in ClinVar:

ClinVar aggregate classification (germline): Uncertain significance (1 of 4 stars; one submission).

Conditions:
Long QT syndrome (LQTS). Identifiers: MedGen C0023976, MeSH D008133, MONDO:0002442. Disease mechanism: loss of function. Inheritance: Various modes of inheritance.

Allele frequency attached by ClinVar (database versions not stated): ESP Exome Variant Server 0.00008.
gnomAD v4.1: 15 of 1,613,526 alleles (0.00093%); highest among the groups gnomAD compares: Middle Eastern, 0.016%; no homozygotes.

Submission:

Labcorp Genetics (formerly Invitae), Labcorp
Classification: Uncertain significance for Long QT syndrome. Last evaluated: 2024-05-12. Review status: criteria provided, single submitter. Criteria: Invitae Variant Classification Sherloc (09022015). Collection method: clinical testing. Allele origin: germline.
Comment: This sequence change replaces glutamic acid, which is acidic and polar, with glutamine, which is neutral and polar, at codon 1786 of the AKAP9 protein (p.Glu1786Gln). This variant is present in population databases (rs377560937, gnomAD 0.006%). This variant has not been reported in the literature in individuals affected with AKAP9-related conditions. An algorithm developed to predict the effect of missense changes on protein structure and function (PolyPhen-2) suggests that this variant is likely to be disruptive. In summary, the available evidence is currently insufficient to determine the role of this variant in disease. Therefore, it has been classified as a Variant of Uncertain Significance.

NM_005751.5(AKAP9):c.5356G>C (p.Glu1786Gln)

Gene: AKAP9 (A-kinase anchoring protein 9; plus strand). Cytogenetic location: 7q21.2.
Variant type: single nucleotide variant.
Coding change: c.5356G>C on transcript NM_005751.5 (MANE Select); coding-DNA position 5356, G replaced by C.
Protein change: p.Glu1786Gln; replaces glutamic acid 1786 with glutamine.
Molecular consequence: missense variant.
Genome position (GRCh38, 1-based): chr7:92,045,201, G>C. VCF-style: chr7-92045201-G-C. GRCh37 (hg19) VCF-style: chr7-91674515-G-C.
Other names: c.5356G>C, p.Glu1786Gln (NM_147185.3); short protein forms E1786Q.
Identifiers: ClinVar variation 2742496 (VCV002742496.3), dbSNP rs377560937, ClinGen allele CA4336770.
Genomic context (GRCh38, chr7:92,045,201, plus strand): 5'-TCTGCCAGCCTAATTTGGAGGTCAGAAGCAGAGGCATCTGTAAAGTCATGTGTCCATGAG[G>C]AACATACAAGAGGTACTAGTTTTCTGTGTTGTGGAAACAATCATTTCAACAAATCTGCTG-3'
Protein context (NP_005742.4, residues 1776-1796): EASVKSCVHE[Glu1786Gln]HTRVTDESIP